The following is an entry in ClinVar:

ClinVar aggregate classification (germline): Uncertain significance (1 of 4 stars; one submission).

Conditions:
Cardiovascular phenotype. Identifiers: MedGen CN230736.

Submission:

Ambry Genetics
Classification: Uncertain significance for Cardiovascular phenotype. Last evaluated: 2024-05-02. Review status: criteria provided, single submitter. Criteria: Ambry Variant Classification Scheme 2023. Collection method: clinical testing. Allele origin: germline.
Comment: The p.A1897P variant (also known as c.5689G>C), located in coding exon 45 of the CACNA1C gene, results from a G to C substitution at nucleotide position 5689. The alanine at codon 1897 is replaced by proline, an amino acid with highly similar properties. This amino acid position is well conserved in available vertebrate species. In addition, this alteration is predicted to be tolerated by in silico analysis. Based on the available evidence, the clinical significance of this variant remains unclear.

NM_000719.7(CACNA1C):c.5689G>C (p.Ala1897Pro)

Genes: CACNA1C (calcium voltage-gated channel subunit alpha1 C; plus strand), CACNA1C-AS1 (CACNA1C antisense RNA 1; minus strand). Cytogenetic location: 12p13.33.
Variant type: single nucleotide variant.
Coding change: c.5689G>C on transcript NM_000719.7 (MANE Select); coding-DNA position 5689, G replaced by C.
Protein change: p.Ala1897Pro; replaces alanine 1897 with proline.
Molecular consequence: missense variant.
Genome position (GRCh38, 1-based): chr12:2,686,174, G>C. VCF-style: chr12-2686174-G-C. GRCh37 (hg19) VCF-style: chr12-2795340-G-C.
Other names: c.5833G>C, p.Ala1945Pro (NM_001129827.2); c.5812G>C, p.Ala1938Pro (NM_001129829.2); c.5794G>C, p.Ala1932Pro (NM_001129830.3, NM_001167624.3); c.5773G>C, p.Ala1925Pro (NM_001129831.2); c.5749G>C, p.Ala1917Pro (NM_001129832.2); c.5746G>C, p.Ala1916Pro (NM_001129833.2, NM_001129834.2, NM_001129835.2); c.5740G>C, p.Ala1914Pro (NM_001129836.2); c.5713G>C, p.Ala1905Pro (NM_001129837.2, NM_001129838.2); and 6 more; short protein forms A1916P, A1917P, A1894P, A1980P, A1886P, A1903P, A1905P, A1925P.
Identifiers: ClinVar variation 3262718 (VCV003262718.1).